The following is an entry in ClinVar:

NM_000179.3(MSH6):c.4001+15_4001+35dup

Gene: MSH6 (mutS homolog 6; plus strand). Cytogenetic location: 2p16.3.
Variant type: Duplication.
Coding change: c.4001+15_4001+35dup on transcript NM_000179.3 (MANE Select); bases 15 to 35 of the intron after coding-DNA position 4001, 21 bases duplicated (ATAATGGAATTATAACTAACT).
Molecular consequence: intron variant.
Genome position (GRCh38, 1-based): chr2:47,806,666-47,806,686, ATAATGGAATTATAACTAACT duplicated; duplicating any 21 consecutive bases within chr2:47,806,657-47,806,686 gives the same sequence; the c. name uses the placement nearest the transcript's 3' end. VCF-style (leftmost placement, unchanged base first): chr2-47806656-C-CTAACTAACTATAATGGAATTA. GRCh37 (hg19) VCF-style: chr2-48033795-C-CTAACTAACTATAATGGAATTA.
Other names: c.4001+15_4001+35dupATAATGGAATTATAACTAACT (NM_000179.2); c.3095+15_3095+35dup (NM_001281493.2, NM_001281494.2); c.3611+15_3611+35dup (NM_001281492.2).
Identifiers: ClinVar variation 627748 (VCV000627748.8), dbSNP rs576893678, ClinGen allele CA072591.

ClinVar aggregate classification (germline): Conflicting classifications of pathogenicity. Review status: criteria provided, conflicting classifications (1 of 4 stars). 3 submissions from 3 submitters: Uncertain significance (1); Likely benign (2). Last evaluated 2025-10-26.

Conditions:
Hereditary cancer-predisposing syndrome. Also called: Tumor predisposition; Hereditary Cancer Syndrome; Neoplastic Syndromes, Hereditary; Hereditary neoplastic syndrome. Identifiers: Orphanet 140162, MedGen C0027672, MeSH D009386, MONDO:0015356.
Hereditary nonpolyposis colorectal neoplasms. Identifiers: MedGen C0009405, MeSH D003123.

Submissions (3):

Labcorp Genetics (formerly Invitae), Labcorp
Classification: Likely benign for Hereditary nonpolyposis colorectal neoplasms. Last evaluated: 2025-10-26. Review status: criteria provided, single submitter. Criteria: Invitae Variant Classification Sherloc (09022015). Collection method: clinical testing. Allele origin: germline.

Color Diagnostics, LLC DBA Color Health
Classification: Likely benign for Hereditary cancer-predisposing syndrome. Last evaluated: 2017-11-23. Review status: criteria provided, single submitter. Criteria: ACMG Guidelines, 2015. Collection method: clinical testing. Allele origin: germline.

Ambry Genetics
Classification: Uncertain significance for Hereditary cancer-predisposing syndrome. Last evaluated: 2015-07-09. Review status: criteria provided, single submitter. Criteria: Ambry Variant Classification Scheme 2023. Collection method: clinical testing. Allele origin: germline.
Comment: The c.4001+15_4001+35dupATAATGGAATTATAACTAACT alteration is located in Intron 9 (E) of the MSH6 gene. This alteration consists of a duplication of 0 nucleotides at nucleotide position c.400115 within Intron 9 (E). Based on insufficient or conflicting evidence, the clinical significance of this alteration remains unclear.